The following is an entry in ClinVar:

ClinVar aggregate classification (germline): Uncertain significance (1 of 4 stars; one submission).

Conditions:
Primary ciliary dyskinesia 33. Also called: CILIARY DYSKINESIA, PRIMARY, 33, WITHOUT SITUS INVERSUS. Identifiers: Orphanet 244, MedGen C4225230, MONDO:0014750, OMIM 616726.

Allele frequency attached by ClinVar (database versions not stated): ExAC 0.00002; TOPMed 0.00016; ESP Exome Variant Server 0.00023.
gnomAD v4.1: 52 of 1,612,432 alleles (0.0032%); highest among the groups gnomAD compares: African/African-American, 0.059%; no homozygotes.

Submission:

Labcorp Genetics (formerly Invitae), Labcorp
Classification: Uncertain significance for Primary ciliary dyskinesia 33. Last evaluated: 2024-04-10. Review status: criteria provided, single submitter. Criteria: Invitae Variant Classification Sherloc (09022015). Collection method: clinical testing. Allele origin: germline.
Comment: This sequence change replaces methionine, which is neutral and non-polar, with valine, which is neutral and non-polar, at codon 26 of the GAS8 protein (p.Met26Val). This variant is present in population databases (rs142699309, gnomAD 0.05%). This variant has not been reported in the literature in individuals affected with GAS8-related conditions. ClinVar contains an entry for this variant (Variation ID: 952479). Advanced modeling of protein sequence and biophysical properties (such as structural, functional, and spatial information, amino acid conservation, physicochemical variation, residue mobility, and thermodynamic stability) performed at Invitae indicates that this missense variant is not expected to disrupt GAS8 protein function with a negative predictive value of 80%. In summary, the available evidence is currently insufficient to determine the role of this variant in disease. Therefore, it has been classified as a Variant of Uncertain Significance.

NM_001481.3(GAS8):c.76A>G (p.Met26Val)

Gene: GAS8 (growth arrest specific 8; plus strand). Cytogenetic location: 16q24.3.
Variant type: single nucleotide variant.
Coding change: c.76A>G on transcript NM_001481.3 (MANE Select); coding-DNA position 76, A replaced by G.
Protein change: p.Met26Val; replaces methionine 26 with valine.
Molecular consequence: missense variant. On other transcripts: 5 prime UTR variant (2), initiator codon variant (1).
Genome position (GRCh38, 1-based): chr16:90,027,708, A>G. VCF-style: chr16-90027708-A-G. GRCh37 (hg19) VCF-style: chr16-90094116-A-G.
Other names: c.-297A>G (NM_001286205.2); c.-569A>G (NM_001286208.2); c.1A>G, p.Met1Val (NM_001286209.2); short protein forms M1V, M26V.
Identifiers: ClinVar variation 952479 (VCV000952479.8), dbSNP rs142699309, ClinGen allele CA8257461.
Genomic context (GRCh38, chr16:90,027,708, plus strand): 5'-AAAGGGAAGAAAGGCAAAGCCAAAGGCACCCCGATTGTCGATGGGCTCGCTCCAGAGGAC[A>G]TGAGCAAGGAGCAGGTGAGCAGAGCGGGCTGTGGCCCAGTCCCCGGGTGGGCGTGGGCGG-3'
Protein context (NP_001472.1, residues 16-36): PIVDGLAPED[Met26Val]SKEQVEEHVS